The following is an entry in ClinVar:

ClinVar aggregate classification (germline): Uncertain significance (1 of 4 stars; one submission).

Submission:

Dasa
Classification: Uncertain significance. Last evaluated: 2025-10-13. Review status: criteria provided, single submitter. Criteria: DASA Assertion Criteria. Collection method: clinical testing. Allele origin: germline.
Comment: NM_001854.4(COL11A1):c.2808+3_2808+8del is a splice-region variant. This variant is absent from population databases. The currently available literature and clinical evidence are not sufficient to establish a definitive association between this variant and the reported condition. Therefore, this variant is classified as a variant of uncertain significance.

NM_001854.4(COL11A1):c.2808+3_2808+8del

Gene: COL11A1 (collagen type XI alpha 1 chain; minus strand). Cytogenetic location: 1p21.1.
Variant type: Deletion.
Coding change: c.2808+3_2808+8del on transcript NM_001854.4 (MANE Select); bases 3 to 8 of the intron after coding-DNA position 2808, 6 bases deleted (AAGTGT; older notation c.2808+3_2808+8delAAGTGT).
Molecular consequence: splice donor variant.
Genome position (GRCh38, 1-based): chr1:102,974,822-102,974,827, ACACTT deleted on the plus strand (AAGTGT on the coding strand, the reverse complement: COL11A1 is on the minus strand); deleting any 6 consecutive bases within chr1:102,974,822-102,974,830 gives the same sequence; the c. name uses the placement nearest the transcript's 3' end. VCF-style (leftmost placement, unchanged base first): chr1-102974821-GACACTT-G. GRCh37 (hg19) VCF-style: chr1-103440377-GACACTT-G.
Other names: c.2691+3_2691+8del (NM_001190709.2); c.2844+3_2844+8del (NM_080629.3); c.2460+3_2460+8del (NM_080630.4).
Identifiers: ClinVar variation 4886352 (VCV004886352.2).